The following is an entry in ClinVar:

NM_006017.3(PROM1):c.406T>A (p.Cys136Ser)

Gene: PROM1 (prominin 1; minus strand). Cytogenetic location: 4p15.32.
Variant type: single nucleotide variant.
Coding change: c.406T>A on transcript NM_006017.3 (MANE Select); coding-DNA position 406, T replaced by A.
Protein change: p.Cys136Ser; replaces cysteine 136 with serine.
Molecular consequence: missense variant.
Genome position (GRCh38, 1-based): chr4:16,033,407, A>T on the plus strand (T>A on the coding strand, the complement: PROM1 is on the minus strand). VCF-style: chr4-16033407-A-T. GRCh37 (hg19) VCF-style: chr4-16035030-A-T.
Other names: c.379T>A, p.Cys127Ser (NM_001145847.2, NM_001145848.2, NM_001145851.2 and 4 more transcripts); c.406T>A, p.Cys136Ser (NM_001145849.2, NM_001145850.2); short protein forms C136S, C127S.
Identifiers: ClinVar variation 1487373 (VCV001487373.6), dbSNP rs2149381800, ClinGen allele CA356427700.

ClinVar aggregate classification (germline): Uncertain significance (1 of 4 stars; one submission).

Submission:

Labcorp Genetics (formerly Invitae), Labcorp
Classification: Uncertain significance. Last evaluated: 2022-07-02. Review status: criteria provided, single submitter. Criteria: Invitae Variant Classification Sherloc (09022015). Collection method: clinical testing. Allele origin: germline.
Comment: This sequence change replaces cysteine, which is neutral and slightly polar, with serine, which is neutral and polar, at codon 136 of the PROM1 protein (p.Cys136Ser). In summary, the available evidence is currently insufficient to determine the role of this variant in disease. Therefore, it has been classified as a Variant of Uncertain Significance. Algorithms developed to predict the effect of sequence changes on RNA splicing suggest that this variant may disrupt the consensus splice site. Algorithms developed to predict the effect of missense changes on protein structure and function are either unavailable or do not agree on the potential impact of this missense change (SIFT: "Deleterious"; PolyPhen-2: "Probably Damaging"; Align-GVGD: "Class C0"). ClinVar contains an entry for this variant (Variation ID: 1487373). This variant has not been reported in the literature in individuals affected with PROM1-related conditions. This variant is not present in population databases (gnomAD no frequency).